The following is an entry in ClinVar:

NM_000264.5(PTCH1):c.3224G>T (p.Gly1075Val)

Gene: PTCH1 (patched 1; minus strand). Cytogenetic location: 9q22.32.
Variant type: single nucleotide variant.
Coding change: c.3224G>T on transcript NM_000264.5 (MANE Select); coding-DNA position 3224, G replaced by T.
Protein change: p.Gly1075Val; replaces glycine 1075 with valine.
Molecular consequence: missense variant. On other transcripts: non-coding transcript variant (1).
Genome position (GRCh38, 1-based): chr9:95,456,358, C>A on the plus strand (G>T on the coding strand, the complement: PTCH1 is on the minus strand). VCF-style: chr9-95456358-C-A. GRCh37 (hg19) VCF-style: chr9-98218640-C-A.
Other names: c.3026G>T, p.Gly1009Val (NM_001083602.3); c.3221G>T, p.Gly1074Val (NM_001083603.3); c.2771G>T, p.Gly924Val (NM_001083604.3, NM_001083605.3, NM_001083606.3 and 1 more transcripts); c.3068G>T, p.Gly1023Val (NM_001354918.2); short protein forms G1023V, G924V, G1075V, G1009V, G1074V.
Identifiers: ClinVar variation 2708234 (VCV002708234.3), dbSNP rs2136649178, ClinGen allele CA374112118.
Genomic context (GRCh38, chr9:95,456,358, plus strand): 5'-TCCACTCCTATGCCAACAGAAGCGATCAGGATGACCACGGGCACGGCACTGAGCTTGATT[C>A]CGATGAGGCCCATCATGCCGAACAGCTCGACCGTCATCAGCGCCAGGACCATCACCTGGA-3'
Protein context (NP_000255.2, residues 1065-1085): VELFGMMGLI[Gly1075Val]IKLSAVPVVI

ClinVar aggregate classification (germline): Uncertain significance (1 of 4 stars; one submission).

Conditions:
Gorlin syndrome. Also called: Nevoid Basal Cell Carcinoma Syndrome; Basal cell nevus syndrome. Identifiers: Orphanet 377, MedGen C0004779, MONDO:0007187.

Submission:

Labcorp Genetics (formerly Invitae), Labcorp
Classification: Uncertain significance for Gorlin syndrome. Last evaluated: 2024-01-08. Review status: criteria provided, single submitter. Criteria: Invitae Variant Classification Sherloc (09022015). Collection method: clinical testing. Allele origin: germline.
Comment: This sequence change replaces glycine, which is neutral and non-polar, with valine, which is neutral and non-polar, at codon 1075 of the PTCH1 protein (p.Gly1075Val). This variant is not present in population databases (gnomAD no frequency). This variant has not been reported in the literature in individuals affected with PTCH1-related conditions. Advanced modeling of protein sequence and biophysical properties (such as structural, functional, and spatial information, amino acid conservation, physicochemical variation, residue mobility, and thermodynamic stability) has been performed at Invitae for this missense variant, however the output from this modeling did not meet the statistical confidence thresholds required to predict the impact of this variant on PTCH1 protein function. In summary, the available evidence is currently insufficient to determine the role of this variant in disease. Therefore, it has been classified as a Variant of Uncertain Significance.